The following is an entry in ClinVar:

NM_000152.5(GAA):c.2055C>A (p.Tyr685Ter)

Gene: GAA (alpha glucosidase; plus strand). Cytogenetic location: 17q25.3.
Variant type: single nucleotide variant.
Coding change: c.2055C>A on transcript NM_000152.5 (MANE Select); coding-DNA position 2055, C replaced by A.
Protein change: p.Tyr685Ter; replaces tyrosine 685 with a stop codon.
Molecular consequence: nonsense.
Genome position (GRCh38, 1-based): chr17:80,113,232, C>A. VCF-style: chr17-80113232-C-A. GRCh37 (hg19) VCF-style: chr17-78087031-C-A.
Other names: NM_000152.5(GAA):c.2055C>A; p.Tyr685Ter; c.2055C>A, p.Tyr685Ter (NM_001079803.3, NM_001079804.3); short protein forms Y685*.
Identifiers: ClinVar variation 1322965 (VCV001322965.5), dbSNP rs750214208, ClinGen allele CA401370359.

ClinVar aggregate classification (germline): Pathogenic. Review status: reviewed by expert panel (3 of 4 stars). 3 submissions from 3 submitters: Pathogenic (1). 2 of the submissions do not count toward it. Last evaluated 2025-08-31.

Conditions:
Glycogen storage disease, type II (IOPD). Also called: CARDIOMEGALIA GLYCOGENICA DIFFUSA; GLYCOGENOSIS, GENERALIZED, CARDIAC FORM; GSD II; POMPE DISEASE, INFANTILE-ONSET; GLYCOGEN STORAGE DISEASE II, INFANTILE-ONSET; ACID ALPHA-GLUCOSIDASE DEFICIENCY, INFANTILE-ONSET. Identifiers: Orphanet 365, MedGen C0017921, MONDO:0009290, OMIM 232300.

Submissions (3):

ClinGen Lysosomal Storage Disorder Variant Curation Expert Panel
Classification: Pathogenic for Glycogen storage disease, type II. Last evaluated: 2025-08-31. Review status: reviewed by expert panel. Criteria: clingen_lsd_acmg_specifications_v2-1. Collection method: curation. Allele origin: germline. Inheritance: Autosomal recessive inheritance.
Comment: The NM_000152.5:c.2055C>A (p.Tyr685Ter) variant in GAA is a nonsense variant predicted to cause a premature stop codon in biologically-relevant-exon 15 out of 20 total exons, leading to nonsense mediated decay in a gene in which loss-of-function is an established disease mechanism (PVS1). This variant has been detected in at least 2 individuals with late-onset Pompe disease who were both compound heterozygous for the variant and another variant that has been classified as pathogenic by the ClinGen LD VCEP, c.-32-13T>G (ClinVar Variation ID: 4027) (PMIDs 39879733, 17643989) (PM3, PP4). This variant is absent in gnomAD v4.1.0. (PM2_Supporting). There is a ClinVar entry for this variant (Variation ID: 1322965). In summary, this variant meets the criteria to be classified as Pathogenic for Pompe disease based on the GAA-specific ACMG/AMP criteria applied, as specified by the ClinGen Lysosomal Diseases Variant Curation Expert Panel (Specifications Version 2.0): PVS1, PM3, PP4, PM2_Supporting. (Classification approved by the ClinGen Lysosomal Diseases Variant Curation Expert Panel, August 31, 2025)

Genomenon, Inc
Classification: Pathogenic for Glycogen storage disease, type II. Last evaluated: 2026-07-01. Review status: criteria provided, single submitter. Criteria: Genomenon Sequence Variant Interpretation Standards - Updated. Collection method: curation. Allele origin: germline. Affected: yes. Not counted in ClinVar's aggregate classification.
Comment: GAA p.Tyr685Ter (c.2055C>A) is a nonsense variant that introduces a premature stop codon at amino acid position 685 and is predicted to result in a truncated or absent protein product. This variant has been observed in at least one proband with a GAA-related disorder (PMID:31545528;17573812). It is absent or not present at a significant frequency in gnomAD. In conclusion, we classify GAA p.Tyr685Ter (c.2055C>A) as a pathogenic variant.

Revvity Omics, Revvity
Classification: Pathogenic. Last evaluated: 2021-02-02. Review status: criteria provided, single submitter. Criteria: ACMG Guidelines, 2015. Collection method: clinical testing. Allele origin: germline. Not counted in ClinVar's aggregate classification.

Literature cited by the submitters: PubMed 31545528 (cited by Genomenon, Inc); PubMed 17573812 (cited by Genomenon, Inc).